The following is an entry in ClinVar:

ClinVar aggregate classification (germline): Pathogenic (1 of 4 stars; one submission).

Submission:

Labcorp Genetics (formerly Invitae), Labcorp
Classification: Pathogenic. Last evaluated: 2019-05-29. Review status: criteria provided, single submitter. Criteria: Invitae Variant Classification Sherloc (09022015). Collection method: clinical testing. Allele origin: germline.
Comment: This variant is an out-of-frame deletion of the genomic region encompassing exons 5-9 of the USH2A gene. This is expected to create a premature translational stop signal and result in an absent or disrupted protein product. This variant has been observed in a family affected with retinitis pigmentosa (PMID: 25352746). Loss-of-function variants in USH2A are known to be pathogenic (PMID: 10729113, 10909849, 20507924, 25649381). For these reasons, this variant has been classified as Pathogenic.

Literature cited by the submitters: PubMed 25352746.

NC_000001.11:g.(?_216321873)_(216327664_?)del

Gene: USH2A (usherin; minus strand). Cytogenetic location: 1q41.
Variant type: Deletion.
Identifiers: ClinVar variation 832261 (VCV000832261.1).